The following is an entry in ClinVar:

ClinVar aggregate classification (germline): Uncertain significance. Review status: criteria provided, multiple submitters, no conflicts (2 of 4 stars). 2 submissions from 2 submitters: Uncertain significance (2). Last evaluated 2025-01-10.

Allele frequency attached by ClinVar (database versions not stated): TOPMed 0.00001.

Submissions (2):

Ambry Genetics
Classification: Uncertain significance. Last evaluated: 2025-01-10. Review status: criteria provided, single submitter. Criteria: Ambry Variant Classification Scheme 2023. Collection method: clinical testing. Allele origin: germline.

Labcorp Genetics (formerly Invitae), Labcorp
Classification: Uncertain significance. Last evaluated: 2023-02-03. Review status: criteria provided, single submitter. Criteria: Invitae Variant Classification Sherloc (09022015). Collection method: clinical testing. Allele origin: germline.
Comment: This variant is not present in population databases (gnomAD no frequency). This sequence change replaces alanine, which is neutral and non-polar, with valine, which is neutral and non-polar, at codon 60 of the CHCHD2 protein (p.Ala60Val). This variant has not been reported in the literature in individuals affected with CHCHD2-related conditions. Algorithms developed to predict the effect of missense changes on protein structure and function are either unavailable or do not agree on the potential impact of this missense change (SIFT: "Deleterious"; PolyPhen-2: "Probably Damaging"; Align-GVGD: "Class C0"). Algorithms developed to predict the effect of sequence changes on RNA splicing suggest that this variant may create or strengthen a splice site. In summary, the available evidence is currently insufficient to determine the role of this variant in disease. Therefore, it has been classified as a Variant of Uncertain Significance.

NM_016139.4(CHCHD2):c.179C>T (p.Ala60Val)

Gene: CHCHD2 (coiled-coil-helix-coiled-coil-helix domain containing 2; minus strand). Cytogenetic location: 7p11.2.
Variant type: single nucleotide variant.
Coding change: c.179C>T on transcript NM_016139.4 (MANE Select); coding-DNA position 179, C replaced by T.
Protein change: p.Ala60Val; replaces alanine 60 with valine.
Molecular consequence: missense variant.
Genome position (GRCh38, 1-based): chr7:56,104,347, G>A on the plus strand (C>T on the coding strand, the complement: CHCHD2 is on the minus strand). VCF-style: chr7-56104347-G-A. GRCh37 (hg19) VCF-style: chr7-56172040-G-A.
Other names: c.179C>T, p.Ala60Val (NM_001320327.2); c.179C>T (NM_016139.2); short protein forms A60V.
Identifiers: ClinVar variation 2894385 (VCV002894385.4), dbSNP rs996734489, ClinGen allele CA159704202.